The following is an entry in ClinVar:

NM_014314.4(RIGI):c.254T>C (p.Leu85Pro)

Gene: RIGI (RNA sensor RIG-I; minus strand). Cytogenetic location: 9p21.1.
Variant type: single nucleotide variant.
Coding change: c.254T>C on transcript NM_014314.4 (MANE Select); coding-DNA position 254, T replaced by C.
Protein change: p.Leu85Pro; replaces leucine 85 with proline.
Molecular consequence: missense variant. On other transcripts: 5 prime UTR variant (3).
Genome position (GRCh38, 1-based): chr9:32,493,930, A>G on the plus strand (T>C on the coding strand, the complement: RIGI is on the minus strand). VCF-style: chr9-32493930-A-G. GRCh37 (hg19) VCF-style: chr9-32493928-A-G.
Other names: c.254T>C, p.Leu85Pro (NM_001385907.1, NM_001385909.1, NM_001385913.1); c.-201T>C (NM_001385910.1, NM_001385914.1); c.-208T>C (NM_001385912.1); short protein forms L85P.
Identifiers: ClinVar variation 1432639 (VCV001432639.8), dbSNP rs200048274, ClinGen allele CA5020124.

ClinVar aggregate classification (germline): Uncertain significance (1 of 4 stars; one submission).

Allele frequency attached by ClinVar (database versions not stated): ESP Exome Variant Server 0.00008; TOPMed 0.00009; ExAC 0.00010; gnomAD exomes 0.00010; gnomAD 0.00011; 1000 Genomes Project 0.00020; 1000 Genomes Project 30x 0.00062.
gnomAD v4.1: 236 of 1,596,112 alleles (0.015%); highest among the groups gnomAD compares: Non-Finnish European, 0.018%; no homozygotes.

Submission:

Labcorp Genetics (formerly Invitae), Labcorp
Classification: Uncertain significance. Last evaluated: 2026-02-01. Review status: criteria provided, single submitter. Criteria: Invitae Variant Classification Sherloc (09022015). Collection method: clinical testing. Allele origin: germline.
Comment: This sequence change replaces leucine, which is neutral and non-polar, with proline, which is neutral and non-polar, at codon 85 of the DDX58 protein (p.Leu85Pro). This variant is present in population databases (rs200048274, gnomAD 0.02%). This variant has not been reported in the literature in individuals affected with DDX58-related conditions. ClinVar contains an entry for this variant (Variation ID: 1432639). An algorithm developed to predict the effect of missense changes on protein structure and function (PolyPhen-2) suggests that this variant is likely to be disruptive. In summary, the available evidence is currently insufficient to determine the role of this variant in disease. Therefore, it has been classified as a Variant of Uncertain Significance.